The following is an entry in ClinVar:

ClinVar aggregate classification (germline): Uncertain significance (3 of 4 stars; one submission).

Conditions:
CYP1B1-related glaucoma with or without anterior segment dysgenesis. Identifiers: MedGen CN375931, MONDO:0800472.

Submission:

ClinGen Glaucoma Variant Curation Expert Panel
Classification: Uncertain significance for CYP1B1-related glaucoma with or without anterior segment dysgenesis. Last evaluated: 2025-11-19. Review status: reviewed by expert panel. Criteria: ClinGen CYP1B1 ACMG Specifications V1 Approved. Collection method: curation. Allele origin: germline. Inheritance: Autosomal recessive inheritance.
Comment: The c.1597del variant in CYP1B1 is a deletion of a single nucleotide, predicted to encode a frameshift with consequent premature termination of the protein at codon 18 of the frameshift (p.Val533SerfsTer18). This variant was not found in any genetic ancestry group of gnomAD (v4.1.0), meeting the ≤ 0.0005 threshold set for PM2_Supporting in a genetic ancestry group of at least 2,000 alleles. This frameshift variant was not predicted to undergo NMD and does not remove the haem-binding domain (PVS1_Moderate met). There was no functional evidence predicting a damaging or benign impact of this variant on CYP1B1 function. This variant has been identified in an individual with a CYP1B1-related phenotype. This individual is compound heterozygous for the variant and a pathogenic or likely pathogenic variant (confirmed in trans) (PMID: 15255109). Total proband points = 1, meeting PM3. In summary, this variant met the criteria to receive a score of 5 and to be classified as a variant of uncertain significance (uncertain significance classification range -1 to 5, adapted from PMID: 32720330) for CYP1B1- related glaucoma with or without anterior segment dysgenesis (ASD) based on the ACMG/AMP criteria met, as specified by the ClinGen Glaucoma VCEP (v1.0, 06.11.2025): PM3, PVS1_Moderate, PM2_Supporting.

NM_000104.4(CYP1B1):c.1597del (p.Val533fs)

Gene: CYP1B1 (cytochrome P450 family 1 subfamily B member 1; minus strand). Cytogenetic location: 2p22.2.
Variant type: Deletion.
Coding change: c.1597del on transcript NM_000104.4 (MANE Select); coding-DNA position 1597, one base deleted (G; older notation c.1597delG).
Protein change: p.Val533fs; shifts the reading frame from valine 533.
Molecular consequence: frameshift variant.
Genome position (GRCh38, 1-based): chr2:38,070,757, C deleted on the plus strand (G on the coding strand, the reverse complement: CYP1B1 is on the minus strand). VCF-style (leftmost placement, unchanged base first): chr2-38070756-AC-A. GRCh37 (hg19) VCF-style: chr2-38297899-AC-A.
Other names: NM_000104.4:c.1597del; short protein forms V533fs.
Identifiers: ClinVar variation 4530673 (VCV004530673.1).
Genomic context (GRCh38, chr2:38,070,756, plus strand): 5'-TAAAATTTCAGCTTGCCTCTTGCTTCTTATTGGCAAGTTTCCTTGGCTTGTAAATTTTGG[AC>A]AGCACTATCAAGGAGCTCCATGGACTCTCTGAGAGTGACATTGACTTTAAATGACTTGGG-3'